The following is an entry in ClinVar:

ClinVar aggregate classification (germline): Likely benign. Review status: criteria provided, multiple submitters, no conflicts (2 of 4 stars). 3 submissions from 3 submitters: Likely benign (3). Last evaluated 2025-01-19.

Allele frequency attached by ClinVar (database versions not stated): gnomAD 0.00015; TOPMed 0.00013.
gnomAD v4.1: 236 of 1,065,822 alleles (0.022%); highest among the groups gnomAD compares: Non-Finnish European, 0.025%; no homozygotes.

Submissions (3):

Labcorp Genetics (formerly Invitae), Labcorp
Classification: Likely benign. Last evaluated: 2025-01-19. Review status: criteria provided, single submitter. Criteria: Invitae Variant Classification Sherloc (09022015). Collection method: clinical testing. Allele origin: germline.

Blueprint Genetics
Classification: Likely benign. Last evaluated: 2024-07-31. Review status: criteria provided, single submitter. Criteria: ACMG Guidelines, 2015. Collection method: clinical testing. Allele origin: germline.

CeGaT Center for Human Genetics Tuebingen
Classification: Likely benign. Last evaluated: 2023-07-01. Review status: criteria provided, single submitter. Criteria: CeGaT Center For Human Genetics Tuebingen Variant Classification Criteria Version 2. Collection method: clinical testing. Allele origin: germline. Affected: yes. Observed: 3 variant alleles.
Comment: KMT2B: BP4, BP7

NM_014727.3(KMT2B):c.138T>G (p.Ala46=)

Genes: KMT2B (lysine methyltransferase 2B; plus strand), LOC130064258 (ATAC-STARR-seq lymphoblastoid silent region 10535; plus strand). Cytogenetic location: 19q13.12.
Variant type: single nucleotide variant.
Coding change: c.138T>G on transcript NM_014727.3 (MANE Select); coding-DNA position 138, T replaced by G.
Protein change: p.Ala46=; no amino-acid change (alanine 46 retained).
Molecular consequence: synonymous variant.
Genome position (GRCh38, 1-based): chr19:35,718,156, T>G. VCF-style: chr19-35718156-T-G. GRCh37 (hg19) VCF-style: chr19-36209058-T-G.
Identifiers: ClinVar variation 1614294 (VCV001614294.37), dbSNP rs966660275, ClinGen allele CA307779920.